The following is an entry in ClinVar:

ClinVar aggregate classification (germline): Uncertain significance. Review status: criteria provided, multiple submitters, no conflicts (2 of 4 stars). 2 submissions from 2 submitters: Uncertain significance (2). Last evaluated 2025-07-03.

Allele frequency attached by ClinVar (database versions not stated): gnomAD exomes below 0.00001; TOPMed below 0.00001.
gnomAD v4.1: 2 of 1,613,980 alleles (0.00012%); highest among the groups gnomAD compares: Admixed American, 0.0033%; no homozygotes.

Submissions (2):

Labcorp Genetics (formerly Invitae), Labcorp
Classification: Uncertain significance. Last evaluated: 2025-07-03. Review status: criteria provided, single submitter. Criteria: Invitae Variant Classification Sherloc (09022015). Collection method: clinical testing. Allele origin: germline.
Comment: This sequence change replaces serine, which is neutral and polar, with asparagine, which is neutral and polar, at codon 2042 of the CACNA1D protein (p.Ser2042Asn). This variant is present in population databases (no rsID available, gnomAD 0.006%). This variant has not been reported in the literature in individuals affected with CACNA1D-related conditions. ClinVar contains an entry for this variant (Variation ID: 1712899). An algorithm developed to predict the effect of missense changes on protein structure and function (PolyPhen-2) suggests that this variant is likely to be disruptive. In summary, the available evidence is currently insufficient to determine the role of this variant in disease. Therefore, it has been classified as a Variant of Uncertain Significance.

GeneDx
Classification: Uncertain significance. Last evaluated: 2022-04-28. Review status: criteria provided, single submitter. Criteria: GeneDx Variant Classification Process June 2021. Collection method: clinical testing. Allele origin: germline. Affected: yes.
Comment: In silico analysis supports that this missense variant does not alter protein structure/function; Has not been previously published as pathogenic or benign to our knowledge

NM_001128840.3(CACNA1D):c.6065G>A (p.Ser2022Asn)

Gene: CACNA1D (calcium voltage-gated channel subunit alpha1 D; plus strand). Cytogenetic location: 3p21.1.
Variant type: single nucleotide variant.
Coding change: c.6065G>A on transcript NM_001128840.3 (MANE Select); coding-DNA position 6065, G replaced by A.
Protein change: p.Ser2022Asn; replaces serine 2022 with asparagine.
Molecular consequence: missense variant.
Genome position (GRCh38, 1-based): chr3:53,810,171, G>A. VCF-style: chr3-53810171-G-A. GRCh37 (hg19) VCF-style: chr3-53844198-G-A.
Other names: c.6125G>A, p.Ser2042Asn (NM_000720.4); c.5993G>A, p.Ser1998Asn (NM_001128839.3); short protein forms S1998N, S2022N, S2042N.
Identifiers: ClinVar variation 1712899 (VCV001712899.3), dbSNP rs1449956778, ClinGen allele CA353258391.
Genomic context (GRCh38, chr3:53,810,171, plus strand): 5'-AAGTGGAGCAGTCAGAGGCCCTGGACCAGGTGAACGGCAGCCTGCCGTCCCTGCACCGCA[G>A]CTCCTGGTACACAGACGAGCCCGACATCTCCTACCGGACTTTCACACCAGCCAGCCTGAC-3'
Protein context (NP_001122312.1, residues 2012-2032): VNGSLPSLHR[Ser2022Asn]SWYTDEPDIS